The following is an entry in ClinVar:

NM_005751.5(AKAP9):c.4358T>G (p.Ile1453Arg)

Gene: AKAP9 (A-kinase anchoring protein 9; plus strand). Cytogenetic location: 7q21.2.
Variant type: single nucleotide variant.
Coding change: c.4358T>G on transcript NM_005751.5 (MANE Select); coding-DNA position 4358, T replaced by G.
Protein change: p.Ile1453Arg; replaces isoleucine 1453 with arginine.
Molecular consequence: missense variant.
Genome position (GRCh38, 1-based): chr7:92,038,438, T>G. VCF-style: chr7-92038438-T-G. GRCh37 (hg19) VCF-style: chr7-91667752-T-G.
Other names: c.4358T>G, p.Ile1453Arg (NM_147185.3); short protein forms I1453R.
Identifiers: ClinVar variation 2859812 (VCV002859812.3), dbSNP rs1171083829, ClinGen allele CA368128580.
Genomic context (GRCh38, chr7:92,038,438, plus strand): 5'-TTCTAAATCTAATCCTTTATTGTTTGCTTTTATTTCTTTAGGTTATTGTGTCAATGAGTA[T>G]AGCATTTGCTCAACAAACTGAACTGTCTAGAATATCTGGGGGAAAAGAAAATACTGCATC-3'
Protein context (NP_005742.4, residues 1443-1463): EVAKVIVSMS[Ile1453Arg]AFAQQTELSR

ClinVar aggregate classification (germline): Uncertain significance (1 of 4 stars; one submission).

Conditions:
Long QT syndrome (LQTS). Identifiers: MedGen C0023976, MeSH D008133, MONDO:0002442. Disease mechanism: loss of function. Inheritance: Various modes of inheritance.

Allele frequency attached by ClinVar (database versions not stated): TOPMed below 0.00001; gnomAD exomes 0.00001.
gnomAD v4.1: 8 of 1,613,256 alleles (0.0005%); highest among the groups gnomAD compares: African/African-American, 0.0013%; no homozygotes.

Submission:

Labcorp Genetics (formerly Invitae), Labcorp
Classification: Uncertain significance for Long QT syndrome. Last evaluated: 2024-06-17. Review status: criteria provided, single submitter. Criteria: Invitae Variant Classification Sherloc (09022015). Collection method: clinical testing. Allele origin: germline.
Comment: This sequence change replaces isoleucine, which is neutral and non-polar, with arginine, which is basic and polar, at codon 1453 of the AKAP9 protein (p.Ile1453Arg). This variant is not present in population databases (gnomAD no frequency). This variant has not been reported in the literature in individuals affected with AKAP9-related conditions. An algorithm developed to predict the effect of missense changes on protein structure and function (PolyPhen-2) suggests that this variant is likely to be disruptive. In summary, the available evidence is currently insufficient to determine the role of this variant in disease. Therefore, it has been classified as a Variant of Uncertain Significance.